The following is an entry in ClinVar:

ClinVar aggregate classification (germline): Uncertain significance. Review status: criteria provided, multiple submitters, no conflicts (2 of 4 stars). 2 submissions from 2 submitters: Uncertain significance (2). Last evaluated 2024-12-16.

Conditions:
Hereditary cancer-predisposing syndrome. Also called: Hereditary Cancer Syndrome; Tumor predisposition; Hereditary neoplastic syndrome; Neoplastic Syndromes, Hereditary. Identifiers: Orphanet 140162, MedGen C0027672, MeSH D009386, MONDO:0015356.
EGFR-related lung cancer (EGFR). Identifiers: MedGen CN130014.

Allele frequency attached by ClinVar (database versions not stated): gnomAD exomes below 0.00001.
gnomAD v4.1: 2 of 1,614,220 alleles (0.00012%); highest among the groups gnomAD compares: Non-Finnish European, 0.00017%; no homozygotes.

Submissions (2):

Ambry Genetics
Classification: Uncertain significance for Hereditary cancer-predisposing syndrome. Last evaluated: 2024-12-16. Review status: criteria provided, single submitter. Criteria: Ambry Variant Classification Scheme 2023. Collection method: clinical testing. Allele origin: germline.
Comment: The p.K431R variant (also known as c.1292A>G), located in coding exon 11 of the EGFR gene, results from an A to G substitution at nucleotide position 1292. The lysine at codon 431 is replaced by arginine, an amino acid with highly similar properties. This amino acid position is highly conserved in available vertebrate species. In addition, this alteration is predicted to be tolerated by in silico analysis. Based on the available evidence, the clinical significance of this variant remains unclear.

Labcorp Genetics (formerly Invitae), Labcorp
Classification: Uncertain significance for EGFR-related lung cancer. Last evaluated: 2020-10-19. Review status: criteria provided, single submitter. Criteria: Invitae Variant Classification Sherloc (09022015). Collection method: clinical testing. Allele origin: germline.
Comment: This sequence change replaces lysine with arginine at codon 431 of the EGFR protein (p.Lys431Arg). The lysine residue is moderately conserved and there is a small physicochemical difference between lysine and arginine. This variant is not present in population databases (ExAC no frequency). This variant has not been reported in the literature in individuals with EGFR-related conditions. Algorithms developed to predict the effect of missense changes on protein structure and function are either unavailable or do not agree on the potential impact of this missense change (SIFT: "Tolerated"; PolyPhen-2: "Probably Damaging"; Align-GVGD: "Class C0"). In summary, the available evidence is currently insufficient to determine the role of this variant in disease. Therefore, it has been classified as a Variant of Uncertain Significance.

NM_005228.5(EGFR):c.1292A>G (p.Lys431Arg)

Gene: EGFR (epidermal growth factor receptor; plus strand). Cytogenetic location: 7p11.2.
Variant type: single nucleotide variant.
Coding change: c.1292A>G on transcript NM_005228.5 (MANE Select); coding-DNA position 1292, A replaced by G.
Protein change: p.Lys431Arg; replaces lysine 431 with arginine.
Molecular consequence: missense variant.
Genome position (GRCh38, 1-based): chr7:55,157,747, A>G. VCF-style: chr7-55157747-A-G. GRCh37 (hg19) VCF-style: chr7-55225440-A-G.
Other names: c.1157A>G, p.Lys386Arg (NM_001346897.2, NM_001346899.2); c.1292A>G, p.Lys431Arg (NM_001346898.2, NM_201282.2, NM_201284.2); c.1133A>G, p.Lys378Arg (NM_001346900.2); c.491A>G, p.Lys164Arg (NM_001346941.2); c.1292A>G (NM_005228.3); short protein forms K378R, K164R, K386R, K431R.
Identifiers: ClinVar variation 1045122 (VCV001045122.9), dbSNP rs1785502513, ClinGen allele CA367579275.
Genomic context (GRCh38, chr7:55,157,747, plus strand): 5'-CTGAAAACAGGACGGACCTCCATGCCTTTGAGAACCTAGAAATCATACGCGGCAGGACCA[A>G]GCAACAGTAAGTTGACCACAGCCAAAGCCTGGTAGATTACATTTGCCTTTTTAGTTGGAA-3'
Protein context (NP_005219.2, residues 421-441): ENLEIIRGRT[Lys431Arg]QHGQFSLAVV